The following is an entry in ClinVar:

NM_000138.5(FBN1):c.7762T>C (p.Tyr2588His)

Gene: FBN1 (fibrillin 1; minus strand). Cytogenetic location: 15q21.1.
Variant type: single nucleotide variant.
Coding change: c.7762T>C on transcript NM_000138.5 (MANE Select); coding-DNA position 7762, T replaced by C.
Protein change: p.Tyr2588His; replaces tyrosine 2588 with histidine.
Molecular consequence: missense variant.
Genome position (GRCh38, 1-based): chr15:48,420,744, A>G on the plus strand (T>C on the coding strand, the complement: FBN1 is on the minus strand). VCF-style: chr15-48420744-A-G. GRCh37 (hg19) VCF-style: chr15-48712941-A-G.
Other names: c.7762T>C, p.Tyr2588His (NM_001406716.1); short protein forms Y2588H.
Identifiers: ClinVar variation 2773311 (VCV002773311.2), dbSNP rs2505395066, ClinGen allele CA392324671.

ClinVar aggregate classification (germline): Uncertain significance (1 of 4 stars; one submission).

Conditions:
Familial thoracic aortic aneurysm and aortic dissection (TAAD). Also called: Thoracic aortic aneurysms and dissections. Identifiers: Orphanet 91387, MedGen C4707243, MONDO:0019625.

Allele frequency attached by ClinVar (database versions not stated): gnomAD exomes below 0.00001.
gnomAD v4.1: 1 of 1,613,960 alleles (0.000062%); highest among the groups gnomAD compares: Non-Finnish European, 0.000085%; no homozygotes.

Submission:

Color Diagnostics, LLC DBA Color Health
Classification: Uncertain significance for Familial thoracic aortic aneurysm and aortic dissection. Last evaluated: 2023-06-13. Review status: criteria provided, single submitter. Criteria: ACMG Guidelines, 2015. Collection method: clinical testing. Allele origin: germline.
Comment: This missense variant replaces tyrosine with histidine at codon 2588 of the FBN1 protein. Computational prediction suggests that this variant may have deleterious impact on protein structure and function (internally defined REVEL score threshold >= 0.7, PMID: 27666373). To our knowledge, functional studies have not been reported for this variant. This variant has not been reported in individuals affected with FBN1-related disorders in the literature. This variant has not been identified in the general population by the Genome Aggregation Database (gnomAD). The available evidence is insufficient to determine the role of this variant in disease conclusively. Therefore, this variant is classified as a Variant of Uncertain Significance.